The following is an entry in ClinVar:

NM_000393.5(COL5A2):c.3311G>T (p.Gly1104Val)

Gene: COL5A2 (collagen type V alpha 2 chain; minus strand). Cytogenetic location: 2q32.2.
Variant type: single nucleotide variant.
Coding change: c.3311G>T on transcript NM_000393.5 (MANE Select); coding-DNA position 3311, G replaced by T.
Protein change: p.Gly1104Val; replaces glycine 1104 with valine.
Molecular consequence: missense variant.
Genome position (GRCh38, 1-based): chr2:189,045,231, C>A on the plus strand (G>T on the coding strand, the complement: COL5A2 is on the minus strand). VCF-style: chr2-189045231-C-A. GRCh37 (hg19) VCF-style: chr2-189909957-C-A.
Other names: short protein forms G1104V.
Identifiers: ClinVar variation 569687 (VCV000569687.10), dbSNP rs1167178682, ClinGen allele CA349862342.

ClinVar aggregate classification (germline): Uncertain significance (1 of 4 stars; one submission).

Conditions:
Ehlers-Danlos syndrome, classic type, 1 (EDSCL1). Also called: Ehlers-Danlos Syndrome, Classic Type, COL5A1-Related; EDS I; Ehlers-Danlos syndrome, type 1; EHLERS-DANLOS SYNDROME, GRAVIS TYPE; EHLERS-DANLOS SYNDROME, SEVERE CLASSIC TYPE. Identifiers: MedGen C0268335, MONDO:0019567, OMIM 130000.

Allele frequency attached by ClinVar (database versions not stated): gnomAD exomes below 0.00001; TOPMed below 0.00001.
gnomAD v4.1: 2 of 1,606,042 alleles (0.00012%); highest among the groups gnomAD compares: African/African-American, 0.0013%; no homozygotes.

Submission:

Labcorp Genetics (formerly Invitae), Labcorp
Classification: Uncertain significance for Ehlers-Danlos syndrome, classic type, 1. Last evaluated: 2018-05-05. Review status: criteria provided, single submitter. Criteria: Invitae Variant Classification Sherloc (09022015). Collection method: clinical testing. Allele origin: germline.
Comment: Glycine residues within the Gly-Xaa-Yaa repeats of the triple helix domain are required for the structure and stability of fibrillar collagens (PMID: 7695699, 8218237, 19344236), and missense variants at these glycine residues in COL5A2 are more frequently observed in individuals with disease than in the general population (PMID: 22696272, 23587214). However, the clinical significance of this observation remains uncertain since only a limited number of affected individuals have been described to date. Algorithms developed to predict the effect of missense changes on protein structure and function (SIFT, PolyPhen-2, Align-GVGD) all suggest that this variant is likely to be disruptive, but these predictions have not been confirmed by published functional studies and their clinical significance is uncertain. In summary, the available evidence is currently insufficient to determine the role of this variant in disease. Therefore, it has been classified as a Variant of Uncertain Significance. This variant has not been reported in the literature in individuals with COL5A2-related disease. This variant is not present in population databases (ExAC no frequency). This sequence change replaces glycine with valine at codon 1104 of the COL5A2 protein (p.Gly1104Val). The glycine residue is highly conserved and there is a moderate physicochemical difference between glycine and valine.

Literature cited by the submitters: PubMed 7695699; PubMed 8218237; PubMed 19344236; PubMed 22696272; PubMed 23587214.